The following is an entry in ClinVar:

ClinVar aggregate classification (germline): Uncertain significance (1 of 4 stars; one submission).

Submission:

Labcorp Genetics (formerly Invitae), Labcorp
Classification: Uncertain significance. Last evaluated: 2023-10-28. Review status: criteria provided, single submitter. Criteria: Invitae Variant Classification Sherloc (09022015). Collection method: clinical testing. Allele origin: germline.
Comment: This sequence change affects the initiator methionine of the EGF mRNA. The next in-frame methionine is located at codon 79. This variant is not present in population databases (gnomAD no frequency). This variant has not been reported in the literature in individuals affected with EGF-related conditions. Experimental studies and prediction algorithms are not available or were not evaluated, and the functional significance of this variant is currently unknown. In summary, the available evidence is currently insufficient to determine the role of this variant in disease. Therefore, it has been classified as a Variant of Uncertain Significance.

NM_001963.6(EGF):c.-185_87del (p.Met1fs)

Gene: EGF (epidermal growth factor; plus strand). Cytogenetic location: 4q25.
Variant type: Deletion.
Coding change: c.-185_87del on transcript NM_001963.6 (MANE Select); 185 bases upstream of the start codon through coding-DNA position 87, 272 bases deleted.
Protein change: p.Met1fs; shifts the reading frame from methionine 1.
Molecular consequence: frameshift variant, initiator codon variant.
Genome position (GRCh38, 1-based): chr4:109,913,151-109,913,422, 272 bases deleted. GRCh37 (hg19): chr4:110,834,307-110,834,578.
Other names: c.-185_87del, p.Met1fs (NM_001178130.3, NM_001178131.3, NM_001357021.2); short protein forms M1fs.
Identifiers: ClinVar variation 2772550 (VCV002772550.3), dbSNP rs2545612588, ClinGen allele CA2697546873.